The following is an entry in ClinVar:

ClinVar aggregate classification (germline): Uncertain significance. Review status: criteria provided, multiple submitters, no conflicts (2 of 4 stars). 2 submissions from 2 submitters: Uncertain significance (2). Last evaluated 2022-06-09.

Allele frequency attached by ClinVar (database versions not stated): gnomAD 0.00002; ExAC 0.00012; gnomAD exomes 0.00007.
gnomAD v4.1: 73 of 1,614,032 alleles (0.0045%); highest among the groups gnomAD compares: Non-Finnish European, 0.0061%; no homozygotes.

Submissions (2):

Labcorp Genetics (formerly Invitae), Labcorp
Classification: Uncertain significance. Last evaluated: 2022-06-09. Review status: criteria provided, single submitter. Criteria: Invitae Variant Classification Sherloc (09022015). Collection method: clinical testing. Allele origin: germline.
Comment: This sequence change replaces glutamic acid, which is acidic and polar, with glycine, which is neutral and non-polar, at codon 707 of the ERCC3 protein (p.Glu707Gly). This variant is present in population databases (rs775232626, gnomAD 0.02%). This variant has not been reported in the literature in individuals affected with ERCC3-related conditions. ClinVar contains an entry for this variant (Variation ID: 1306453). Algorithms developed to predict the effect of missense changes on protein structure and function are either unavailable or do not agree on the potential impact of this missense change (SIFT: "Deleterious"; PolyPhen-2: "Benign"; Align-GVGD: "Class C0"). In summary, the available evidence is currently insufficient to determine the role of this variant in disease. Therefore, it has been classified as a Variant of Uncertain Significance.

GeneDx
Classification: Uncertain significance. Last evaluated: 2019-06-12. Review status: criteria provided, single submitter. Criteria: GeneDx Variant Classification Process June 2021. Collection method: clinical testing. Allele origin: germline. Affected: yes.
Comment: In silico analysis, which includes protein predictors and evolutionary conservation, supports a deleterious effect; Has not been previously published as pathogenic or benign to our knowledge

NM_000122.2(ERCC3):c.2120A>G (p.Glu707Gly)

Gene: ERCC3 (ERCC excision repair 3, TFIIH core complex helicase subunit; minus strand). Cytogenetic location: 2q14.3.
Variant type: single nucleotide variant.
Coding change: c.2120A>G on transcript NM_000122.2 (MANE Select); coding-DNA position 2120, A replaced by G.
Protein change: p.Glu707Gly; replaces glutamic acid 707 with glycine.
Molecular consequence: missense variant.
Genome position (GRCh38, 1-based): chr2:127,259,393, T>C on the plus strand (A>G on the coding strand, the complement: ERCC3 is on the minus strand). VCF-style: chr2-127259393-T-C. GRCh37 (hg19) VCF-style: chr2-128016969-T-C.
Other names: c.1928A>G, p.Glu643Gly (NM_001303416.2, NM_001303418.2); short protein forms E643G, E707G.
Identifiers: ClinVar variation 1306453 (VCV001306453.3), dbSNP rs775232626, ClinGen allele CA1858076.
Genomic context (GRCh38, chr2:127,259,393, plus strand): 5'-TCCTCCTCGGCATCCAGGTCAGTGGCTGCCAGGACTTTCTGTAAGAGCTGCTGTTGCTCT[T>C]CTTTTGTCGAAAACGCCAAGTCTTCCTCCTCCATGCCAGCGAGTTTCGTGATCACCTGCA-3'
Protein context (NP_000113.1, residues 697-717): EEEDLAFSTK[Glu707Gly]EQQQLLQKVL